The following is an entry in ClinVar:

NM_000642.3(AGL):c.3013dup (p.Cys1005fs)

Gene: AGL (amylo-alpha-1,6-glucosidase and 4-alpha-glucanotransferase; plus strand). Cytogenetic location: 1p21.2.
Variant type: Duplication.
Coding change: c.3013dup on transcript NM_000642.3 (MANE Select); coding-DNA position 3013, one base duplicated (T; older notation c.3013dupT).
Protein change: p.Cys1005fs; shifts the reading frame from cysteine 1005.
Molecular consequence: frameshift variant.
Genome position (GRCh38, 1-based): chr1:99,891,669, T duplicated. VCF-style (leftmost placement, unchanged base first): chr1-99891668-A-AT. GRCh37 (hg19) VCF-style: chr1-100357224-A-AT.
Other names: c.3013dup, p.Cys1005fs (NM_000028.3, NM_000643.3, NM_000644.3 and 1 more transcripts); c.2965dup, p.Cys989fs (NM_000646.3); c.2992dup, p.Cys998fs (NM_001425326.1); c.2812dup, p.Cys938fs (NM_001425327.1); c.2809dup, p.Cys937fs (NM_001425328.1); c.2674dup, p.Cys892fs (NM_001425329.1); c.2635dup, p.Cys879fs (NM_001425332.1); short protein forms C1005fs, C879fs, C892fs, C937fs, C938fs, C989fs, C998fs.
Identifiers: ClinVar variation 5013626 (VCV005013626.1).

ClinVar aggregate classification (germline): Pathogenic (1 of 4 stars; one submission).

Conditions:
Glycogen storage disease type III (GSD3). Also called: FORBES DISEASE; Cori disease. Identifiers: Orphanet 366, MedGen C0017922, MONDO:0009291, OMIM 232400.

Submission:

Myriad Genetics, Inc.
Classification: Pathogenic for Glycogen storage disease type III. Last evaluated: 2024-10-09. Review status: criteria provided, single submitter. Criteria: Myriad Autosomal Dominant, Autosomal Recessive and X-Linked Classification Criteria (2023). Collection method: clinical testing. Allele origin: unknown.
Comment: NM_000642.2(AGL):c.3013dupT(C1005Lfs*4) is expected to be pathogenic in the context of glycogen storage disease type III. This variant is predicted to lead to an abnormal or absent protein product due to the creation of a premature termination codon in AGL, a gene where loss-of-function variants are known to be pathogenic. Please note: this variant was assessed in the context of healthy population screening.